The following is an entry in ClinVar:

NM_000092.5(COL4A4):c.2123G>T (p.Arg708Ile)

Gene: COL4A4 (collagen type IV alpha 4 chain; minus strand). Cytogenetic location: 2q36.3.
Variant type: single nucleotide variant.
Coding change: c.2123G>T on transcript NM_000092.5 (MANE Select); coding-DNA position 2123, G replaced by T.
Protein change: p.Arg708Ile; replaces arginine 708 with isoleucine.
Molecular consequence: missense variant.
Genome position (GRCh38, 1-based): chr2:227,060,177, C>A on the plus strand (G>T on the coding strand, the complement: COL4A4 is on the minus strand). VCF-style: chr2-227060177-C-A. GRCh37 (hg19) VCF-style: chr2-227924893-C-A.
Other names: short protein forms R708I.
Identifiers: ClinVar variation 1025633 (VCV001025633.18), dbSNP rs759828394, ClinGen allele CA2144941.

ClinVar aggregate classification (germline): Conflicting classifications of pathogenicity. Review status: criteria provided, conflicting classifications (1 of 4 stars). 5 submissions from 5 submitters: Uncertain significance (3); Likely benign (1). 1 of the submissions does not count toward it. Last evaluated 2026-01-19.

Conditions:
Alport syndrome. Also called: Hemorrhagic familial nephritis; Hemorrhagic hereditary nephritis; Congenital hereditary hematuria. Identifiers: Orphanet 63, MedGen C1567741, MONDO:0018965.
Hematuria, benign familial, 1 (BFH1). Also called: THIN MEMBRANE NEPHROPATHY. Identifiers: MedGen CN376803, MONDO:0007709, OMIM 141200.
Autosomal recessive Alport syndrome (ATS2). Also called: ALPORT SYNDROME 2, AUTOSOMAL RECESSIVE; COL4A4 Alport Syndrome and Thin Basement Membrane Nephropathy; COL4A3-Related Nephropathy; Alport syndrome type 2. Identifiers: Orphanet 63, Orphanet 88919, MedGen C4746745, MONDO:0008762, OMIM 203780.
COL4A4-related disorder.

Allele frequency attached by ClinVar (database versions not stated): gnomAD 0.00001; gnomAD exomes 0.00004 and 0.00007; TOPMed 0.00005; ExAC 0.00007.
gnomAD v4.1: 25 of 1,601,126 alleles (0.0016%); highest among the groups gnomAD compares: Admixed American, 0.042%; no homozygotes.

Submissions (5):

Labcorp Genetics (formerly Invitae), Labcorp
Classification: Likely benign. Last evaluated: 2026-01-19. Review status: criteria provided, single submitter. Criteria: Invitae Variant Classification Sherloc (09022015). Collection method: clinical testing. Allele origin: germline.

PreventionGenetics, part of Exact Sciences
Classification: Uncertain significance for COL4A4-related condition. Last evaluated: 2025-01-15. Review status: criteria provided, single submitter. Criteria: ACMG Guidelines, 2015. Collection method: clinical testing. Allele origin: germline.
Comment: The COL4A4 c.2123G>T variant is predicted to result in the amino acid substitution p.Arg708Ile. To our knowledge, this variant has not been reported in the literature. This variant is reported in 0.054% of alleles in individuals of Latino descent in gnomAD. Although we suspect that this variant may be benign, at this time, the clinical significance of this variant is uncertain due to the absence of conclusive functional and genetic evidence.

Fulgent Genetics
Classification: Uncertain significance for Hematuria, benign familial, 1; Autosomal recessive Alport syndrome. Last evaluated: 2024-05-06. Review status: criteria provided, single submitter. Criteria: ACMG Guidelines, 2015. Collection method: clinical testing. Allele origin: germline.

GeneDx
Classification: Uncertain significance. Last evaluated: 2024-01-02. Review status: criteria provided, single submitter. Criteria: GeneDx Variant Classification Process June 2021. Collection method: clinical testing. Allele origin: germline. Affected: yes.
Comment: In silico analysis supports that this missense variant has a deleterious effect on protein structure/function; Does not segregate with hearing loss in affected siblings from a family referred for genetic testing at GeneDx; however, it is possible that the affected individuals each have a different etiology for their hearing loss, and the possibility that this variant is associated with autosomal recessive disease cannot be excluded; Occurs in the triple helical domain at the X position in the canonical Gly-X-Y repeat; although this variant may have an effect on normal protein folding and function, missense substitution at the X position is not a common mechanism of disease; Has not been previously published as pathogenic or benign to our knowledge

Natera, Inc.
Classification: Uncertain significance for Alport syndrome. Last evaluated: 2020-03-11. Review status: no assertion criteria provided. Collection method: clinical testing. Allele origin: germline. Not counted in ClinVar's aggregate classification.